The following is an entry in ClinVar:

NM_024678.6(NARS2):c.544A>G (p.Ile182Val)

Gene: NARS2 (asparaginyl-tRNA synthetase 2, mitochondrial; minus strand). Cytogenetic location: 11q14.1.
Variant type: single nucleotide variant.
Coding change: c.544A>G on transcript NM_024678.6 (MANE Select); coding-DNA position 544, A replaced by G.
Protein change: p.Ile182Val; replaces isoleucine 182 with valine.
Molecular consequence: missense variant. On other transcripts: 5 prime UTR variant (1).
Genome position (GRCh38, 1-based): chr11:78,559,589, T>C on the plus strand (A>G on the coding strand, the complement: NARS2 is on the minus strand). VCF-style: chr11-78559589-T-C. GRCh37 (hg19) VCF-style: chr11-78270635-T-C.
Other names: c.-138A>G (NM_001243251.2); c.544A>G (NM_024678.5); short protein forms I182V.
Identifiers: ClinVar variation 2189383 (VCV002189383.3), dbSNP rs372086134, ClinGen allele CA6205799.

ClinVar aggregate classification (germline): Conflicting classifications of pathogenicity. Review status: criteria provided, conflicting classifications (1 of 4 stars). 2 submissions from 2 submitters: Uncertain significance (1); Likely benign (1). Last evaluated 2022-11-22.

Conditions:
Inborn genetic diseases. Identifiers: MedGen C0950123, MeSH D030342.

Allele frequency attached by ClinVar (database versions not stated): gnomAD exomes 0.00002; ExAC 0.00004; gnomAD 0.00006; TOPMed 0.00006; ESP Exome Variant Server 0.00008.
gnomAD v4.1: 44 of 1,613,310 alleles (0.0027%); highest among the groups gnomAD compares: African/African-American, 0.019%; no homozygotes.

Submissions (2):

Labcorp Genetics (formerly Invitae), Labcorp
Classification: Uncertain significance. Last evaluated: 2022-11-22. Review status: criteria provided, single submitter. Criteria: Invitae Variant Classification Sherloc (09022015). Collection method: clinical testing. Allele origin: germline.
Comment: In summary, the available evidence is currently insufficient to determine the role of this variant in disease. Therefore, it has been classified as a Variant of Uncertain Significance. Advanced modeling of protein sequence and biophysical properties (such as structural, functional, and spatial information, amino acid conservation, physicochemical variation, residue mobility, and thermodynamic stability) performed at Invitae indicates that this missense variant is not expected to disrupt NARS2 protein function. This variant has not been reported in the literature in individuals affected with NARS2-related conditions. This variant is present in population databases (rs372086134, gnomAD 0.02%). This sequence change replaces isoleucine, which is neutral and non-polar, with valine, which is neutral and non-polar, at codon 182 of the NARS2 protein (p.Ile182Val).

Ambry Genetics
Classification: Likely benign for Inborn genetic diseases. Last evaluated: 2021-07-09. Review status: criteria provided, single submitter. Criteria: Ambry Variant Classification Scheme 2023. Collection method: clinical testing. Allele origin: germline.